The following is an entry in ClinVar:

NM_001128228.3(TPRN):c.965G>A (p.Ser322Asn)

Gene: TPRN (taperin; minus strand). Cytogenetic location: 9q34.3.
Variant type: single nucleotide variant.
Coding change: c.965G>A on transcript NM_001128228.3 (MANE Select); coding-DNA position 965, G replaced by A.
Protein change: p.Ser322Asn; replaces serine 322 with asparagine.
Molecular consequence: missense variant.
Genome position (GRCh38, 1-based): chr9:137,199,747, C>T on the plus strand (G>A on the coding strand, the complement: TPRN is on the minus strand). VCF-style: chr9-137199747-C-T. GRCh37 (hg19) VCF-style: chr9-140094199-C-T.
Other names: short protein forms S322N.
Identifiers: ClinVar variation 3903294 (VCV003903294.2).

ClinVar aggregate classification (germline): Uncertain significance. Review status: criteria provided, multiple submitters, no conflicts (2 of 4 stars). 2 submissions from 2 submitters: Uncertain significance (2). Last evaluated 2025-03-28.

Conditions:
Inborn genetic diseases. Identifiers: MedGen C0950123, MeSH D030342.

Submissions (2):

Ambry Genetics
Classification: Uncertain significance for Inborn genetic diseases. Last evaluated: 2025-03-28. Review status: criteria provided, single submitter. Criteria: Ambry Variant Classification Scheme 2023. Collection method: clinical testing. Allele origin: germline.

GeneDx
Classification: Uncertain significance. Last evaluated: 2024-12-11. Review status: criteria provided, single submitter. Criteria: GeneDx Variant Classification Process June 2021. Collection method: clinical testing. Allele origin: germline. Affected: yes.
Comment: In silico analysis indicates that this missense variant does not alter protein structure/function; Has not been previously published as pathogenic or benign to our knowledge